The following is an entry in ClinVar:

ClinVar aggregate classification (germline): Uncertain significance. Review status: criteria provided, multiple submitters, no conflicts (2 of 4 stars). 2 submissions from 2 submitters: Uncertain significance (2). Last evaluated 2025-03-23.

Conditions:
Lethal congenital glycogen storage disease of heart. Also called: GLYCOGEN STORAGE DISEASE OF HEART; PHOSPHORYLASE KINASE DEFICIENCY OF HEART. Identifiers: Orphanet 439854, MedGen C1849813, MONDO:0009867, OMIM 261740.
Cardiovascular phenotype. Identifiers: MedGen CN230736.

gnomAD v4.1: 1 of 1,613,816 alleles (0.000062%); highest among the groups gnomAD compares: African/African-American, 0.0013%; no homozygotes.

Submissions (2):

Ambry Genetics
Classification: Uncertain significance for Cardiovascular phenotype. Last evaluated: 2025-03-23. Review status: criteria provided, single submitter. Criteria: Ambry Variant Classification Scheme 2023. Collection method: clinical testing. Allele origin: germline.
Comment: The p.V453M variant (also known as c.1357G>A), located in coding exon 12 of the PRKAG2 gene, results from a G to A substitution at nucleotide position 1357. The valine at codon 453 is replaced by methionine, an amino acid with highly similar properties. This amino acid position is conserved. In addition, the in silico prediction for this alteration is inconclusive. Based on the available evidence, the clinical significance of this variant remains unclear.

Labcorp Genetics (formerly Invitae), Labcorp
Classification: Uncertain significance for Lethal congenital glycogen storage disease of heart. Last evaluated: 2025-03-18. Review status: criteria provided, single submitter. Criteria: Invitae Variant Classification Sherloc (09022015). Collection method: clinical testing. Allele origin: germline.
Comment: This sequence change replaces valine, which is neutral and non-polar, with methionine, which is neutral and non-polar, at codon 453 of the PRKAG2 protein (p.Val453Met). This variant is not present in population databases (gnomAD no frequency). This variant has not been reported in the literature in individuals affected with PRKAG2-related conditions. Invitae Evidence Modeling of protein sequence and biophysical properties (such as structural, functional, and spatial information, amino acid conservation, physicochemical variation, residue mobility, and thermodynamic stability) indicates that this missense variant is not expected to disrupt PRKAG2 protein function with a negative predictive value of 95%. In summary, the available evidence is currently insufficient to determine the role of this variant in disease. Therefore, it has been classified as a Variant of Uncertain Significance.

NM_016203.4(PRKAG2):c.1357G>A (p.Val453Met)

Gene: PRKAG2 (protein kinase AMP-activated non-catalytic subunit gamma 2; minus strand). Cytogenetic location: 7q36.1.
Variant type: single nucleotide variant.
Coding change: c.1357G>A on transcript NM_016203.4 (MANE Select); coding-DNA position 1357, G replaced by A.
Protein change: p.Val453Met; replaces valine 453 with methionine.
Molecular consequence: missense variant.
Genome position (GRCh38, 1-based): chr7:151,565,762, C>T on the plus strand (G>A on the coding strand, the complement: PRKAG2 is on the minus strand). VCF-style: chr7-151565762-C-T. GRCh37 (hg19) VCF-style: chr7-151262848-C-T.
Other names: c.1225G>A, p.Val409Met (NM_001040633.2, NM_001407024.1); c.982G>A, p.Val328Met (NM_001304527.2, NM_001407029.1); c.634G>A, p.Val212Met (NM_001304531.2, NM_024429.2, NM_001407034.1 and 1 more transcripts); c.682G>A, p.Val228Met (NM_001407038.1); c.631G>A, p.Val211Met (NM_001407039.1, NM_001407040.1, NM_001407036.1); c.985G>A, p.Val329Met (NM_001363698.2, NM_001407028.1); c.1357G>A, p.Val453Met (NM_001407021.1); c.1354G>A, p.Val452Met (NM_001407022.1, NM_001407023.1); and 6 more; short protein forms V228M, V211M, V212M, V328M, V329M, V347M, V356M, V453M.
Identifiers: ClinVar variation 3938068 (VCV003938068.2).